The following is an entry in ClinVar:

NM_000158.4(GBE1):c.821del (p.Asp274fs)

Gene: GBE1 (1,4-alpha-glucan branching enzyme 1; minus strand). Cytogenetic location: 3p12.2.
Variant type: Deletion.
Coding change: c.821del on transcript NM_000158.4 (MANE Select); coding-DNA position 821, one base deleted (A; older notation c.821delA).
Protein change: p.Asp274fs; shifts the reading frame from aspartic acid 274.
Molecular consequence: frameshift variant.
Genome position (GRCh38, 1-based): chr3:81,642,952, T deleted on the plus strand (A on the coding strand, the reverse complement: GBE1 is on the minus strand). VCF-style (leftmost placement, unchanged base first): chr3-81642951-GT-G. GRCh37 (hg19) VCF-style: chr3-81692102-GT-G.
Other names: short protein forms D274fs.
Identifiers: ClinVar variation 3754733 (VCV003754733.2).
Genomic context (GRCh38, chr3:81,642,951, plus strand): 5'-TTTTGAAGCATGGCTGTGTACCACATCTAAGAGGACTATGATACCCATGGAATGAGCTGT[GT>G]CTACCAGTTCTTGTAGCTCTTCAGGTGTTCCATAACGGCTAACAATGAAGAACACAGCAA-3'

ClinVar aggregate classification (germline): Pathogenic (1 of 4 stars; one submission).

Conditions:
Glycogen storage disease, type IV (GSD4). Also called: AMYLOPECTINOSIS; ANDERSEN DISEASE; BRANCHER DEFICIENCY; CIRRHOSIS, FAMILIAL, WITH DEPOSITION OF ABNORMAL GLYCOGEN; GBE1 DEFICIENCY; GLYCOGEN BRANCHING ENZYME DEFICIENCY. Identifiers: Orphanet 367, MedGen C0017923, MONDO:0009292, OMIM 232500.
Glycogen storage disease IV, classic hepatic. Also called: GSD IV, CLASSIC HEPATIC. Identifiers: MedGen C1856301.

Submission:

Labcorp Genetics (formerly Invitae), Labcorp
Classification: Pathogenic for Glycogen storage disease, type IV; Glycogen storage disease IV, classic hepatic. Last evaluated: 2024-07-03. Review status: criteria provided, single submitter. Criteria: Invitae Variant Classification Sherloc (09022015). Collection method: clinical testing. Allele origin: germline.
Comment: This sequence change creates a premature translational stop signal (p.Asp274Alafs*9) in the GBE1 gene. It is expected to result in an absent or disrupted protein product. Loss-of-function variants in GBE1 are known to be pathogenic (PMID: 15452297, 20058079). This variant is not present in population databases (gnomAD no frequency). This variant has not been reported in the literature in individuals affected with GBE1-related conditions. For these reasons, this variant has been classified as Pathogenic.

Literature cited by the submitters: PubMed 15452297; PubMed 20058079.